The following is an entry in ClinVar:

NM_012310.5(KIF4A):c.3414dup (p.Ser1139fs)

Gene: KIF4A (kinesin family member 4A; plus strand). Cytogenetic location: Xq13.1.
Variant type: Duplication.
Coding change: c.3414dup on transcript NM_012310.5 (MANE Select); coding-DNA position 3414, one base duplicated (C; older notation c.3414dupC).
Protein change: p.Ser1139fs; shifts the reading frame from serine 1139.
Molecular consequence: frameshift variant.
Genome position (GRCh38, 1-based): chrX:70,419,702, C duplicated. VCF-style (leftmost placement, unchanged base first): chrX-70419701-G-GC. GRCh37 (hg19) VCF-style: chrX-69639551-G-GC.
Other names: short protein forms S1139fs.
Identifiers: ClinVar variation 5036999 (VCV005036999.1).

ClinVar aggregate classification (germline): Uncertain significance (1 of 4 stars; one submission).

Submission:

GeneDx
Classification: Uncertain significance. Last evaluated: 2026-04-15. Review status: criteria provided, single submitter. Criteria: GeneDx Variant Classification Process June 2021. Collection method: clinical testing. Allele origin: germline.
Comment: Not observed at significant frequency in large population cohorts (gnomAD); Frameshift variant predicted to result in abnormal protein length as the last 94 amino acid(s) are replaced with 17 different amino acid(s) with an unclear effect on protein function; Has not been previously published as pathogenic or benign to our knowledge